The following is an entry in ClinVar:

ClinVar aggregate classification (germline): Uncertain significance (1 of 4 stars; one submission).

Conditions:
Epilepsy, childhood absence 4 (ECA4). Also called: EPILEPSY, CHILDHOOD ABSENCE, SUSCEPTIBILITY TO, 4. Identifiers: Orphanet 307, MedGen C1970160.
Epilepsy, idiopathic generalized, susceptibility to, 13. Also called: EPILEPSY, JUVENILE MYOCLONIC, SUSCEPTIBILITY TO, 5. Identifiers: Orphanet 307, Orphanet 64280, MedGen C4013473, MONDO:0012627, OMIM 611136.
Idiopathic generalized epilepsy. Also called: EIG; Generalised epilepsy. Identifiers: MedGen C0270850, MONDO:0005579, OMIM 600669.

Submission:

Labcorp Genetics (formerly Invitae), Labcorp
Classification: Uncertain significance for Epilepsy, childhood absence 4; Epilepsy, idiopathic generalized, susceptibility to, 13; Idiopathic generalized epilepsy. Last evaluated: 2025-03-16. Review status: criteria provided, single submitter. Criteria: Invitae Variant Classification Sherloc (09022015). Collection method: clinical testing. Allele origin: germline.
Comment: This sequence change replaces isoleucine, which is neutral and non-polar, with leucine, which is neutral and non-polar, at codon 72 of the GABRA1 protein (p.Ile72Leu). This variant is not present in population databases (gnomAD no frequency). This variant has not been reported in the literature in individuals affected with GABRA1-related conditions. ClinVar contains an entry for this variant (Variation ID: 1715983). Invitae Evidence Modeling of protein sequence and biophysical properties (such as structural, functional, and spatial information, amino acid conservation, physicochemical variation, residue mobility, and thermodynamic stability) has been performed for this missense variant. However, the output from this modeling did not meet the statistical confidence thresholds required to predict the impact of this variant on GABRA1 protein function. In summary, the available evidence is currently insufficient to determine the role of this variant in disease. Therefore, it has been classified as a Variant of Uncertain Significance.

NM_001127644.2(GABRA1):c.214A>C (p.Ile72Leu)

Gene: GABRA1 (gamma-aminobutyric acid type A receptor subunit alpha1; plus strand). Cytogenetic location: 5q34.
Variant type: single nucleotide variant.
Coding change: c.214A>C on transcript NM_001127644.2 (MANE Select); coding-DNA position 214, A replaced by C.
Protein change: p.Ile72Leu; replaces isoleucine 72 with leucine.
Molecular consequence: missense variant.
Genome position (GRCh38, 1-based): chr5:161,865,747, A>C. VCF-style: chr5-161865747-A-C. GRCh37 (hg19) VCF-style: chr5-161292753-A-C.
Other names: c.214A>C, p.Ile72Leu (NM_000806.5, NM_001127643.2, NM_001127645.2 and 1 more transcripts); short protein forms I72L.
Identifiers: ClinVar variation 1715983 (VCV001715983.5), dbSNP rs2532225504, ClinGen allele CA362178545.